The following is an entry in ClinVar:

NM_003185.4(TAF4):c.2224-3C>G

Gene: TAF4 (TATA-box binding protein associated factor 4; minus strand). Cytogenetic location: 20q13.33.
Variant type: single nucleotide variant.
Coding change: c.2224-3C>G on transcript NM_003185.4 (MANE Select); 3 bases into the intron before coding-DNA position 2224, C replaced by G.
Molecular consequence: intron variant.
Genome position (GRCh38, 1-based): chr20:62,003,881, G>C on the plus strand (C>G on the coding strand, the complement: TAF4 is on the minus strand). VCF-style: chr20-62003881-G-C. GRCh37 (hg19) VCF-style: chr20-60578937-G-C.
Other names: NC_000020.10:g.60578937G>C.
Identifiers: ClinVar variation 3381621 (VCV003381621.2).

ClinVar aggregate classification (germline): Uncertain significance (1 of 4 stars; one submission).

Submissions (2):

GeneDx
Classification: Uncertain significance. Last evaluated: 2024-05-20. Review status: criteria provided, single submitter. Criteria: GeneDx Variant Classification Process June 2021. Collection method: clinical testing. Allele origin: germline. Affected: yes.
Comment: Not observed at significant frequency in large population cohorts (gnomAD); In silico analysis supports a deleterious effect on splicing; Has not been previously published as pathogenic or benign to our knowledge

Dr. Peter K. Rogan Lab, Western University
No classification provided (evidence only). Condition: Lung cancer. Review status: no classification provided. Collection method: in vitro. Allele origin: not applicable. Functional consequence: retained intron. Not counted in ClinVar's aggregate classification.